The following is an entry in ClinVar:

NM_144670.6(A2ML1):c.3603G>C (p.Leu1201Phe)

Gene: A2ML1 (alpha-2-macroglobulin like 1; plus strand). Cytogenetic location: 12p13.31.
Variant type: single nucleotide variant.
Coding change: c.3603G>C on transcript NM_144670.6 (MANE Select); coding-DNA position 3603, G replaced by C.
Protein change: p.Leu1201Phe; replaces leucine 1201 with phenylalanine.
Molecular consequence: missense variant.
Genome position (GRCh38, 1-based): chr12:8,863,894, G>C. VCF-style: chr12-8863894-G-C. GRCh37 (hg19) VCF-style: chr12-9016490-G-C.
Other names: c.2130G>C, p.Leu710Phe (NM_001282424.3); short protein forms L710F, L1201F.
Identifiers: ClinVar variation 1733132 (VCV001733132.8), dbSNP rs148052558, ClinGen allele CA6436431.

ClinVar aggregate classification (germline): Uncertain significance. Review status: criteria provided, multiple submitters, no conflicts (2 of 4 stars). 2 submissions from 2 submitters: Uncertain significance (2). Last evaluated 2025-06-28.

Allele frequency attached by ClinVar (database versions not stated): gnomAD exomes 0.00001; TOPMed below 0.00001; 1000 Genomes Project 30x 0.00016; gnomAD 0.00001; ExAC 0.00002.
gnomAD v4.1: 14 of 1,614,184 alleles (0.00087%); highest among the groups gnomAD compares: Non-Finnish European, 0.0012%; no homozygotes.

Submissions (2):

Ambry Genetics
Classification: Uncertain significance. Last evaluated: 2025-06-28. Review status: criteria provided, single submitter. Criteria: Ambry Variant Classification Scheme 2023. Collection method: clinical testing. Allele origin: germline.
Comment: The p.L1201F variant (also known as c.3603G>C), located in coding exon 29 of the A2ML1 gene, results from a G to C substitution at nucleotide position 3603. The leucine at codon 1201 is replaced by phenylalanine, an amino acid with highly similar properties. This amino acid position is conserved. In addition, the in silico prediction for this alteration is inconclusive. Since supporting evidence is limited at this time, the clinical significance of this alteration remains unclear.

Labcorp Genetics (formerly Invitae), Labcorp
Classification: Uncertain significance. Last evaluated: 2022-06-06. Review status: criteria provided, single submitter. Criteria: Invitae Variant Classification Sherloc (09022015). Collection method: clinical testing. Allele origin: germline.
Comment: This sequence change replaces leucine, which is neutral and non-polar, with phenylalanine, which is neutral and non-polar, at codon 1201 of the A2ML1 protein (p.Leu1201Phe). This variant is present in population databases (rs148052558, gnomAD 0.002%). This variant has not been reported in the literature in individuals affected with A2ML1-related conditions. Algorithms developed to predict the effect of missense changes on protein structure and function are either unavailable or do not agree on the potential impact of this missense change (SIFT: "Deleterious"; PolyPhen-2: "Probably Damaging"; Align-GVGD: "Class C0"). In summary, the available evidence is currently insufficient to determine the role of this variant in disease. Therefore, it has been classified as a Variant of Uncertain Significance.